The following is an entry in ClinVar:

NM_004655.4(AXIN2):c.1128G>C (p.Ser376=)

Gene: AXIN2 (axin 2; minus strand). Cytogenetic location: 17q24.1.
Variant type: single nucleotide variant.
Coding change: c.1128G>C on transcript NM_004655.4 (MANE Select); coding-DNA position 1128, G replaced by C.
Protein change: p.Ser376=; no amino-acid change (serine 376 retained).
Molecular consequence: synonymous variant.
Genome position (GRCh38, 1-based): chr17:65,538,275, C>G on the plus strand (G>C on the coding strand, the complement: AXIN2 is on the minus strand). VCF-style: chr17-65538275-C-G. GRCh37 (hg19) VCF-style: chr17-63534393-C-G.
Other names: c.1128G>C, p.Ser376= (NM_001363813.1).
Identifiers: ClinVar variation 1533957 (VCV001533957.9), dbSNP rs2144477422, ClinGen allele CA501476341.

ClinVar aggregate classification (germline): Benign/Likely benign. Review status: criteria provided, multiple submitters, no conflicts (2 of 4 stars). 2 submissions from 2 submitters: Benign (1); Likely benign (1). Last evaluated 2024-07-01.

Conditions:
Oligodontia-cancer predisposition syndrome. Also called: TOOTH AGENESIS-COLORECTAL CANCER SYNDROME. Identifiers: Orphanet 300576, MedGen C1837750, MONDO:0012075, OMIM 608615. Disease mechanism: loss of function.

Allele frequency attached by ClinVar (database versions not stated): gnomAD exomes below 0.00001.

Submissions (2):

Myriad Genetics, Inc.
Classification: Benign for Oligodontia-cancer predisposition syndrome. Last evaluated: 2024-07-01. Review status: criteria provided, single submitter. Criteria: Myriad Autosomal Dominant, Autosomal Recessive and X-Linked Classification Criteria (2023). Collection method: clinical testing. Allele origin: unknown.
Comment: This variant is considered benign. This variant is a silent/synonymous amino acid change and it is not expected to impact splicing.

Labcorp Genetics (formerly Invitae), Labcorp
Classification: Likely benign for Oligodontia-cancer predisposition syndrome. Last evaluated: 2021-08-06. Review status: criteria provided, single submitter. Criteria: Invitae Variant Classification Sherloc (09022015). Collection method: clinical testing. Allele origin: germline.